The following is an entry in ClinVar:

NM_002691.4(POLD1):c.700G>T (p.Ala234Ser)

Gene: POLD1 (DNA polymerase delta 1, catalytic subunit; plus strand). Cytogenetic location: 19q13.33.
Variant type: single nucleotide variant.
Coding change: c.700G>T on transcript NM_002691.4 (MANE Select); coding-DNA position 700, G replaced by T.
Protein change: p.Ala234Ser; replaces alanine 234 with serine.
Molecular consequence: missense variant. On other transcripts: non-coding transcript variant (1).
Genome position (GRCh38, 1-based): chr19:50,402,315, G>T. VCF-style: chr19-50402315-G-T. GRCh37 (hg19) VCF-style: chr19-50905572-G-T.
Other names: c.700G>T, p.Ala234Ser (NM_001256849.1, NM_001308632.1); c.700G>T (NM_002691.2); short protein forms A234S.
Identifiers: ClinVar variation 3695335 (VCV003695335.3).

ClinVar aggregate classification (germline): Uncertain significance. Review status: criteria provided, multiple submitters, no conflicts (2 of 4 stars). 2 submissions from 2 submitters: Uncertain significance (2). Last evaluated 2025-09-14.

Conditions:
Hereditary cancer-predisposing syndrome. Also called: Neoplastic Syndromes, Hereditary; Tumor predisposition; Hereditary Cancer Syndrome; Hereditary neoplastic syndrome. Identifiers: Orphanet 140162, MedGen C0027672, MeSH D009386, MONDO:0015356.
POLD1-related polyposis and colorectal cancer syndrome (CRCS10). Also called: Colorectal cancer 10; COLORECTAL CANCER, SUSCEPTIBILITY TO, ON CHROMOSOME 19q; Colorectal cancer, susceptibility to, 10. Identifiers: Orphanet 220460, MedGen C2675481, MONDO:0012953, OMIM 612591.

Submissions (2):

Ambry Genetics
Classification: Uncertain significance for Hereditary cancer-predisposing syndrome. Last evaluated: 2025-09-14. Review status: criteria provided, single submitter. Criteria: Ambry Variant Classification Scheme 2023. Collection method: clinical testing. Allele origin: germline.
Comment: The p.A234S variant (also known as c.700G>T), located in coding exon 5 of the POLD1 gene, results from a G to T substitution at nucleotide position 700. The alanine at codon 234 is replaced by serine, an amino acid with similar properties. This amino acid position is conserved. In addition, this alteration is predicted to be tolerated by in silico analysis. Based on the available evidence, the clinical significance of this variant remains unclear.

Labcorp Genetics (formerly Invitae), Labcorp
Classification: Uncertain significance for POLD1-related polyposis and colorectal cancer syndrome. Last evaluated: 2025-04-21. Review status: criteria provided, single submitter. Criteria: Invitae Variant Classification Sherloc (09022015). Collection method: clinical testing. Allele origin: germline.
Comment: This sequence change replaces alanine, which is neutral and non-polar, with serine, which is neutral and polar, at codon 234 of the POLD1 protein (p.Ala234Ser). This variant is not present in population databases (gnomAD no frequency). This variant has not been reported in the literature in individuals affected with POLD1-related conditions. ClinVar contains an entry for this variant (Variation ID: 3695335). Invitae Evidence Modeling of protein sequence and biophysical properties (such as structural, functional, and spatial information, amino acid conservation, physicochemical variation, residue mobility, and thermodynamic stability) indicates that this missense variant is not expected to disrupt POLD1 protein function with a negative predictive value of 80%. In summary, the available evidence is currently insufficient to determine the role of this variant in disease. Therefore, it has been classified as a Variant of Uncertain Significance.